The following is an entry in ClinVar:

ClinVar aggregate classification (germline): Pathogenic (1 of 4 stars; one submission).

Conditions:
Hearing loss, autosomal dominant 82. Also called: Deafness, autosomal dominant 82. Identifiers: MedGen C5676948, MONDO:0030719, OMIM 619804.

Submission:

Precision Medicine Center, Zhengzhou University
Classification: Pathogenic for Hearing loss, autosomal dominant 82. Last evaluated: 2006-06-30. Review status: criteria provided, single submitter. Criteria: ClinGen HL ACMG Specifications v1. Collection method: clinical testing. Allele origin: de novo. Affected: yes.
Comment: PVS1+PM2+PM6:The nonsense variant predicted to result in a premature termination codon and loss of normal protein function via nonsense-mediated decay (PVS1). The variant is absent or extremely rare in population databases (PM2). It has been reported as a putative de novo variant in an affected individual (PM6). According to the ACMG/AMP guidelines, this variant is classified as Pathogenic.

NM_001001331.4(ATP2B2):c.529A>T (p.Lys177Ter)

Gene: ATP2B2 (ATPase plasma membrane Ca2+ transporting 2; minus strand). Cytogenetic location: 3p25.3.
Variant type: single nucleotide variant.
Coding change: c.529A>T on transcript NM_001001331.4 (MANE Select); coding-DNA position 529, A replaced by T.
Protein change: p.Lys177Ter; replaces lysine 177 with a stop codon.
Molecular consequence: nonsense.
Genome position (GRCh38, 1-based): chr3:10,402,217, T>A on the plus strand (A>T on the coding strand, the complement: ATP2B2 is on the minus strand). VCF-style: chr3-10402217-T-A. GRCh37 (hg19) VCF-style: chr3-10443901-T-A.
Other names: c.529A>T, p.Lys177Ter (NM_001330611.3, NM_001353564.1, NM_001363862.1 and 3 more transcripts); short protein forms K177*.
Identifiers: ClinVar variation 4857407 (VCV004857407.1).